The following is an entry in ClinVar:

NM_001206999.2(CIT):c.2783G>A (p.Arg928His)

Gene: CIT (citron rho-interacting serine/threonine kinase; minus strand). Cytogenetic location: 12q24.23.
Variant type: single nucleotide variant.
Coding change: c.2783G>A on transcript NM_001206999.2 (MANE Select); coding-DNA position 2783, G replaced by A.
Protein change: p.Arg928His; replaces arginine 928 with histidine.
Molecular consequence: missense variant.
Genome position (GRCh38, 1-based): chr12:119,752,171, C>T on the plus strand (G>A on the coding strand, the complement: CIT is on the minus strand). VCF-style: chr12-119752171-C-T. GRCh37 (hg19) VCF-style: chr12-120189976-C-T.
Other names: c.2657G>A, p.Arg886His (NM_007174.3); short protein forms R928H, R886H.
Identifiers: ClinVar variation 2164300 (VCV002164300.4), dbSNP rs143324493, ClinGen allele CA6821683.

ClinVar aggregate classification (germline): Uncertain significance (1 of 4 stars; one submission).

Allele frequency attached by ClinVar (database versions not stated): gnomAD exomes 0.00001; ExAC 0.00005; TOPMed 0.00012; gnomAD 0.00014; ESP Exome Variant Server 0.00015.
gnomAD v4.1: 43 of 1,612,398 alleles (0.0027%); highest among the groups gnomAD compares: African/African-American, 0.035%; no homozygotes.

Submission:

Labcorp Genetics (formerly Invitae), Labcorp
Classification: Uncertain significance. Last evaluated: 2022-09-24. Review status: criteria provided, single submitter. Criteria: Invitae Variant Classification Sherloc (09022015). Collection method: clinical testing. Allele origin: germline.
Comment: In summary, the available evidence is currently insufficient to determine the role of this variant in disease. Therefore, it has been classified as a Variant of Uncertain Significance. Advanced modeling of protein sequence and biophysical properties (such as structural, functional, and spatial information, amino acid conservation, physicochemical variation, residue mobility, and thermodynamic stability) performed at Invitae indicates that this missense variant is not expected to disrupt CIT protein function. This variant has not been reported in the literature in individuals affected with CIT-related conditions. This variant is present in population databases (rs143324493, gnomAD 0.02%). This sequence change replaces arginine, which is basic and polar, with histidine, which is basic and polar, at codon 928 of the CIT protein (p.Arg928His).